The following is an entry in ClinVar:

NM_001127208.3(TET2):c.899A>T (p.Asp300Val)

Genes: TET2 (tet methylcytosine dioxygenase 2; plus strand), TET2-AS1 (TET2 antisense RNA 1; minus strand). Cytogenetic location: 4q24.
Variant type: single nucleotide variant.
Coding change: c.899A>T on transcript NM_001127208.3 (MANE Select); coding-DNA position 899, A replaced by T.
Protein change: p.Asp300Val; replaces aspartic acid 300 with valine.
Molecular consequence: missense variant.
Genome position (GRCh38, 1-based): chr4:105,234,841, A>T. VCF-style: chr4-105234841-A-T. GRCh37 (hg19) VCF-style: chr4-106155998-A-T.
Other names: c.899A>T, p.Asp300Val (NM_017628.4); short protein forms D300V.
Identifiers: ClinVar variation 3967534 (VCV003967534.1).
Genomic context (GRCh38, chr4:105,234,841, plus strand): 5'-CTAACTCTGAGCTGCCTCCAAAGCCAGCTGCAGTGGTGAGTGAGGCCTGTGATGCTGATG[A>T]TGCTGATAATGCCAGTAAACTAGCTGCAATGCTAAATACCTGTTCCTTTCAGAAACCAGA-3'
Protein context (NP_001120680.1, residues 290-310): AVVSEACDAD[Asp300Val]ADNASKLAAM

ClinVar aggregate classification (germline): Uncertain significance (1 of 4 stars; one submission).

Submission:

Ambry Genetics
Classification: Uncertain significance. Last evaluated: 2025-04-05. Review status: criteria provided, single submitter. Criteria: Ambry Variant Classification Scheme 2023. Collection method: clinical testing. Allele origin: germline.
Comment: The p.D300V variant (also known as c.899A>T), located in coding exon 1 of the TET2 gene, results from an A to T substitution at nucleotide position 899. The aspartic acid at codon 300 is replaced by valine, an amino acid with highly dissimilar properties. This amino acid position is conserved. In addition, this alteration is predicted to be tolerated by in silico analysis. Based on the available evidence, the clinical significance of this variant remains unclear.